The following is an entry in ClinVar:

ClinVar aggregate classification (germline): Pathogenic (1 of 4 stars; one submission).

Conditions:
Treacher Collins syndrome 1 (TCS1). Also called: TCOF1-Related Treacher Collins Syndrome. Identifiers: Orphanet 861, MedGen CN315775, MONDO:0007944, OMIM 154500.

Submission:

Labcorp Genetics (formerly Invitae), Labcorp
Classification: Pathogenic for Treacher Collins syndrome 1. Last evaluated: 2022-01-17. Review status: criteria provided, single submitter. Criteria: Invitae Variant Classification Sherloc (09022015). Collection method: clinical testing. Allele origin: germline.
Comment: Disruption of this splice site has been observed in individual(s) with Treacher Collins syndrome (Invitae). This variant is not present in population databases (gnomAD no frequency). This sequence change affects a splice site in intron 3 of the TCOF1 gene. It is expected to disrupt RNA splicing. Variants that disrupt the donor or acceptor splice site typically lead to a loss of protein function (PMID: 16199547), and loss-of-function variants in TCOF1 are known to be pathogenic (PMID: 8894686, 22317976). Algorithms developed to predict the effect of sequence changes on RNA splicing suggest that this variant may disrupt the consensus splice site. For these reasons, this variant has been classified as Pathogenic.

Literature cited by the submitters: PubMed 16199547; PubMed 8894686; PubMed 22317976.

NM_001371623.1(TCOF1):c.304+1del

Gene: TCOF1 (treacle ribosome biogenesis factor 1; plus strand). Cytogenetic location: 5q32.
Variant type: Deletion.
Coding change: c.304+1del on transcript NM_001371623.1 (MANE Select); the canonical splice donor site of the intron after coding-DNA position 304, one base deleted (G; older notation c.304+1delG).
Molecular consequence: splice donor variant.
Genome position (GRCh38, 1-based): chr5:150,364,253, G deleted. VCF-style (leftmost placement, unchanged base first): chr5-150364252-AG-A. GRCh37 (hg19) VCF-style: chr5-149743815-AG-A.
Other names: c.304+1del (NM_001135243.2, NM_001135244.2, NM_001195141.2 and 3 more transcripts).
Identifiers: ClinVar variation 2086953 (VCV002086953.4), dbSNP rs2532820625, ClinGen allele CA2580073884.